The following is an entry in ClinVar:

ClinVar aggregate classification (germline): Uncertain significance (1 of 4 stars; one submission).

Submission:

Labcorp Genetics (formerly Invitae), Labcorp
Classification: Uncertain significance. Last evaluated: 2022-06-25. Review status: criteria provided, single submitter. Criteria: Invitae Variant Classification Sherloc (09022015). Collection method: clinical testing. Allele origin: germline.
Comment: This sequence change replaces serine, which is neutral and polar, with arginine, which is basic and polar, at codon 57 of the DDX3X protein (p.Ser57Arg). This variant has not been reported in the literature in individuals affected with DDX3X-related conditions. This variant is not present in population databases (gnomAD no frequency). Algorithms developed to predict the effect of missense changes on protein structure and function are either unavailable or do not agree on the potential impact of this missense change (SIFT: "Deleterious"; PolyPhen-2: "Not Available"; Align-GVGD: "Class C0"). In summary, the available evidence is currently insufficient to determine the role of this variant in disease. Therefore, it has been classified as a Variant of Uncertain Significance.

NM_001356.5(DDX3X):c.171T>G (p.Ser57Arg)

Gene: DDX3X (DEAD-box helicase 3 X-linked; plus strand). Cytogenetic location: Xp11.4.
Variant type: single nucleotide variant.
Coding change: c.171T>G on transcript NM_001356.5 (MANE Select); coding-DNA position 171, T replaced by G.
Protein change: p.Ser57Arg; replaces serine 57 with arginine.
Molecular consequence: missense variant. On other transcripts: 5 prime UTR variant (1), non-coding transcript variant (1).
Genome position (GRCh38, 1-based): chrX:41,341,503, T>G. VCF-style: chrX-41341503-T-G. GRCh37 (hg19) VCF-style: chrX-41200756-T-G.
Other names: c.171T>G, p.Ser57Arg (NM_001193416.3); c.123T>G, p.Ser41Arg (NM_001193417.3); c.-388T>G (NM_001363819.1); short protein forms S57R, S41R.
Identifiers: ClinVar variation 2010629 (VCV002010629.4), dbSNP rs2519505296, ClinGen allele CA412764724.